The following is an entry in ClinVar:

NM_030973.4(MED25):c.397G>A (p.Glu133Lys)

Gene: MED25 (mediator complex subunit 25; plus strand). Cytogenetic location: 19q13.33.
Variant type: single nucleotide variant.
Coding change: c.397G>A on transcript NM_030973.4 (MANE Select); coding-DNA position 397, G replaced by A.
Protein change: p.Glu133Lys; replaces glutamic acid 133 with lysine.
Molecular consequence: missense variant.
Genome position (GRCh38, 1-based): chr19:49,828,540, G>A. VCF-style: chr19-49828540-G-A. GRCh37 (hg19) VCF-style: chr19-50331797-G-A.
Other names: c.397G>A, p.Glu133Lys (NM_001378355.1); short protein forms E133K.
Identifiers: ClinVar variation 2040405 (VCV002040405.4), dbSNP rs906227441, ClinGen allele CA309512495.

ClinVar aggregate classification (germline): Uncertain significance (1 of 4 stars; one submission).

Conditions:
Charcot-Marie-Tooth disease type 2. Also called: Charcot-Marie-Tooth type 2. Identifiers: Orphanet 64746, MedGen C0270914, MONDO:0018993.

Allele frequency attached by ClinVar (database versions not stated): gnomAD exomes below 0.00001.
gnomAD v4.1: 2 of 1,612,484 alleles (0.00012%); highest among the groups gnomAD compares: Non-Finnish European, 0.00017%; no homozygotes.

Submission:

Labcorp Genetics (formerly Invitae), Labcorp
Classification: Uncertain significance for Charcot-Marie-Tooth disease type 2. Last evaluated: 2022-05-25. Review status: criteria provided, single submitter. Criteria: Invitae Variant Classification Sherloc (09022015). Collection method: clinical testing. Allele origin: germline.
Comment: This sequence change replaces glutamic acid, which is acidic and polar, with lysine, which is basic and polar, at codon 133 of the MED25 protein (p.Glu133Lys). This variant is not present in population databases (gnomAD no frequency). In summary, the available evidence is currently insufficient to determine the role of this variant in disease. Therefore, it has been classified as a Variant of Uncertain Significance. Algorithms developed to predict the effect of missense changes on protein structure and function are either unavailable or do not agree on the potential impact of this missense change (SIFT: "Tolerated"; PolyPhen-2: "Probably Damaging"; Align-GVGD: "Class C0"). This variant has not been reported in the literature in individuals affected with MED25-related conditions.